The following is an entry in ClinVar:

NM_001557.4(CXCR2):c.191T>G (p.Leu64Arg)

Gene: CXCR2 (C-X-C motif chemokine receptor 2; plus strand). Cytogenetic location: 2q35.
Variant type: single nucleotide variant.
Coding change: c.191T>G on transcript NM_001557.4 (MANE Select); coding-DNA position 191, T replaced by G.
Protein change: p.Leu64Arg; replaces leucine 64 with arginine.
Molecular consequence: missense variant.
Genome position (GRCh38, 1-based): chr2:218,134,992, T>G. VCF-style: chr2-218134992-T-G. GRCh37 (hg19) VCF-style: chr2-218999715-T-G.
Other names: c.191T>G, p.Leu64Arg (NM_001168298.2); short protein forms L64R.
Identifiers: ClinVar variation 3729238 (VCV003729238.2).

ClinVar aggregate classification (germline): Uncertain significance (1 of 4 stars; one submission).

Submission:

Labcorp Genetics (formerly Invitae), Labcorp
Classification: Uncertain significance. Last evaluated: 2025-04-17. Review status: criteria provided, single submitter. Criteria: Invitae Variant Classification Sherloc (09022015). Collection method: clinical testing. Allele origin: germline.
Comment: This sequence change replaces leucine, which is neutral and non-polar, with arginine, which is basic and polar, at codon 64 of the CXCR2 protein (p.Leu64Arg). This variant is not present in population databases (gnomAD no frequency). This variant has not been reported in the literature in individuals affected with CXCR2-related conditions. ClinVar contains an entry for this variant (Variation ID: 3729238). An algorithm developed to predict the effect of missense changes on protein structure and function (PolyPhen-2) suggests that this variant is likely to be disruptive. In summary, the available evidence is currently insufficient to determine the role of this variant in disease. Therefore, it has been classified as a Variant of Uncertain Significance.